The following is an entry in ClinVar:

NM_001365999.1(SZT2):c.3220G>A (p.Glu1074Lys)

Gene: SZT2 (SZT2 subunit of KICSTOR complex; plus strand). Cytogenetic location: 1p34.2.
Variant type: single nucleotide variant.
Coding change: c.3220G>A on transcript NM_001365999.1 (MANE Select); coding-DNA position 3220, G replaced by A.
Protein change: p.Glu1074Lys; replaces glutamic acid 1074 with lysine.
Molecular consequence: missense variant.
Genome position (GRCh38, 1-based): chr1:43,426,720, G>A. VCF-style: chr1-43426720-G-A. GRCh37 (hg19) VCF-style: chr1-43892391-G-A.
Other names: c.3049G>A, p.Glu1017Lys (NM_015284.4); short protein forms E1017K, E1074K.
Identifiers: ClinVar variation 859769 (VCV000859769.8), dbSNP rs753361307, ClinGen allele CA808921.

ClinVar aggregate classification (germline): Uncertain significance. Review status: criteria provided, multiple submitters, no conflicts (2 of 4 stars). 2 submissions from 2 submitters: Uncertain significance (2). Last evaluated 2024-02-29.

Allele frequency attached by ClinVar (database versions not stated): gnomAD 0.00001; gnomAD exomes 0.00001 and 0.00002; TOPMed 0.00001; ExAC 0.00005.
gnomAD v4.1: 17 of 1,610,284 alleles (0.0011%); highest among the groups gnomAD compares: African/African-American, 0.0013%; no homozygotes.

Submissions (2):

Blueprint Genetics
Classification: Uncertain significance. Last evaluated: 2024-02-29. Review status: criteria provided, single submitter. Criteria: ACMG Guidelines, 2015. Collection method: clinical testing. Allele origin: germline.

Labcorp Genetics (formerly Invitae), Labcorp
Classification: Uncertain significance. Last evaluated: 2022-08-09. Review status: criteria provided, single submitter. Criteria: Invitae Variant Classification Sherloc (09022015). Collection method: clinical testing. Allele origin: germline.
Comment: This sequence change replaces glutamic acid, which is acidic and polar, with lysine, which is basic and polar, at codon 1017 of the SZT2 protein (p.Glu1017Lys). This variant is present in population databases (rs753361307, gnomAD 0.004%). This variant has not been reported in the literature in individuals affected with SZT2-related conditions. ClinVar contains an entry for this variant (Variation ID: 859769). Algorithms developed to predict the effect of missense changes on protein structure and function (SIFT, PolyPhen-2, Align-GVGD) all suggest that this variant is likely to be tolerated. In summary, the available evidence is currently insufficient to determine the role of this variant in disease. Therefore, it has been classified as a Variant of Uncertain Significance.